The following is an entry in ClinVar:

NM_001184.4(ATR):c.284G>A (p.Ser95Asn)

Gene: ATR (ATR checkpoint kinase; minus strand). Cytogenetic location: 3q23.
Variant type: single nucleotide variant.
Coding change: c.284G>A on transcript NM_001184.4 (MANE Select); coding-DNA position 284, G replaced by A.
Protein change: p.Ser95Asn; replaces serine 95 with asparagine.
Molecular consequence: missense variant.
Genome position (GRCh38, 1-based): chr3:142,566,129, C>T on the plus strand (G>A on the coding strand, the complement: ATR is on the minus strand). VCF-style: chr3-142566129-C-T. GRCh37 (hg19) VCF-style: chr3-142284971-C-T.
Other names: c.284G>A, p.Ser95Asn (NM_001354579.2); short protein forms S95N.
Identifiers: ClinVar variation 2854941 (VCV002854941.3), dbSNP rs772880323, ClinGen allele CA354828262.
Genomic context (GRCh38, chr3:142,566,129, plus strand): 5'-GGAGGATTTTATAGAACAGATGGCAAGTGAATGCATGAATAACAGCACTTACCAATACAA[C>T]TGCCTTTGGCCTCATGGCTTCCACTCACATTTACAAACATAAGTGGGGAGGATTTCATGA-3'
Protein context (NP_001175.2, residues 85-105): NVSGSHEAKG[Ser95Asn]CIEFSNWIIT

ClinVar aggregate classification (germline): Uncertain significance (1 of 4 stars; one submission).

Submission:

Labcorp Genetics (formerly Invitae), Labcorp
Classification: Uncertain significance. Last evaluated: 2023-04-11. Review status: criteria provided, single submitter. Criteria: Invitae Variant Classification Sherloc (09022015). Collection method: clinical testing. Allele origin: germline.
Comment: This variant is not present in population databases (gnomAD no frequency). In summary, the available evidence is currently insufficient to determine the role of this variant in disease. Therefore, it has been classified as a Variant of Uncertain Significance. Algorithms developed to predict the effect of missense changes on protein structure and function output the following: SIFT: "Not Available"; PolyPhen-2: "Benign"; Align-GVGD: "Not Available". The asparagine amino acid residue is found in multiple mammalian species, which suggests that this missense change does not adversely affect protein function. This variant has not been reported in the literature in individuals affected with ATR-related conditions. This sequence change replaces serine, which is neutral and polar, with asparagine, which is neutral and polar, at codon 95 of the ATR protein (p.Ser95Asn).